The following is an entry in ClinVar:

NM_024537.4(CARS2):c.1480C>T (p.Arg494Trp)

Gene: CARS2 (cysteinyl-tRNA synthetase 2, mitochondrial; minus strand). Cytogenetic location: 13q34.
Variant type: single nucleotide variant.
Coding change: c.1480C>T on transcript NM_024537.4 (MANE Select); coding-DNA position 1480, C replaced by T.
Protein change: p.Arg494Trp; replaces arginine 494 with tryptophan.
Molecular consequence: missense variant. On other transcripts: non-coding transcript variant (2).
Genome position (GRCh38, 1-based): chr13:110,642,458, G>A on the plus strand (C>T on the coding strand, the complement: CARS2 is on the minus strand). VCF-style: chr13-110642458-G-A. GRCh37 (hg19) VCF-style: chr13-111294805-G-A.
Other names: c.694C>T, p.Arg232Trp (NM_001352252.2); c.1480C>T (NM_024537.2); short protein forms R232W, R494W.
Identifiers: ClinVar variation 942243 (VCV000942243.9), dbSNP rs200697273, ClinGen allele CA7051639.

ClinVar aggregate classification (germline): Uncertain significance. Review status: criteria provided, multiple submitters, no conflicts (2 of 4 stars). 3 submissions from 3 submitters: Uncertain significance (3). Last evaluated 2024-10-11.

Conditions:
Inborn genetic diseases. Identifiers: MedGen C0950123, MeSH D030342.
Combined oxidative phosphorylation defect type 27. Also called: Combined oxidative phosphorylation deficiency 27. Identifiers: Orphanet 477774, MedGen C5567608, MONDO:0014728, OMIM 616672.

Allele frequency attached by ClinVar (database versions not stated): gnomAD exomes 0.00001; TOPMed 0.00001; 1000 Genomes Project 30x 0.00016; 1000 Genomes Project 0.00020.
gnomAD v4.1: 8 of 1,608,906 alleles (0.0005%); highest among the groups gnomAD compares: South Asian, 0.0022%; no homozygotes.

Submissions (3):

GeneDx
Classification: Uncertain significance. Last evaluated: 2024-10-11. Review status: criteria provided, single submitter. Criteria: GeneDx Variant Classification Process June 2021. Collection method: clinical testing. Allele origin: germline. Affected: yes.
Comment: Not observed at significant frequency in large population cohorts (gnomAD); In silico analysis supports that this missense variant has a deleterious effect on protein structure/function; Has not been previously published as pathogenic or benign to our knowledge

Ambry Genetics
Classification: Uncertain significance for Inborn genetic diseases. Last evaluated: 2024-09-26. Review status: criteria provided, single submitter. Criteria: Ambry Variant Classification Scheme 2023. Collection method: clinical testing. Allele origin: germline.

Labcorp Genetics (formerly Invitae), Labcorp
Classification: Uncertain significance for Combined oxidative phosphorylation defect type 27. Last evaluated: 2021-09-01. Review status: criteria provided, single submitter. Criteria: Invitae Variant Classification Sherloc (09022015). Collection method: clinical testing. Allele origin: germline.
Comment: This sequence change replaces arginine with tryptophan at codon 494 of the CARS2 protein (p.Arg494Trp). The arginine residue is highly conserved and there is a moderate physicochemical difference between arginine and tryptophan. This variant is present in population databases (rs200697273, ExAC 0.04%). This variant has not been reported in the literature in individuals affected with CARS2-related conditions. Algorithms developed to predict the effect of missense changes on protein structure and function (SIFT, PolyPhen-2, Align-GVGD) all suggest that this variant is likely to be disruptive. In summary, the available evidence is currently insufficient to determine the role of this variant in disease. Therefore, it has been classified as a Variant of Uncertain Significance.